The following is an entry in ClinVar:

ClinVar aggregate classification (germline): Uncertain significance. Review status: criteria provided, multiple submitters, no conflicts (2 of 4 stars). 3 submissions from 3 submitters: Uncertain significance (3). Last evaluated 2024-11-07.

Conditions:
Charcot-Marie-Tooth disease axonal type 2S. Also called: CHARCOT-MARIE-TOOTH NEUROPATHY, TYPE 2S; CHARCOT-MARIE-TOOTH DISEASE, AXONAL, AUTOSOMAL RECESSIVE, TYPE 2S. Identifiers: Orphanet 443073, MedGen C4015349, MONDO:0014511, OMIM 616155.
Autosomal recessive distal spinal muscular atrophy 1. Also called: NEURONOPATHY, DISTAL HEREDITARY MOTOR, HARDING TYPE VI; NEUROPATHY, DISTAL HEREDITARY MOTOR, AUTOSOMAL RECESSIVE 1; HMN VI; SEVERE INFANTILE AXONAL NEUROPATHY WITH RESPIRATORY FAILURE; SPINAL MUSCULAR ATROPHY, DIAPHRAGMATIC; Spinal muscular atrophy with respiratory distress 1. Identifiers: Orphanet 98920, MedGen C1858517, MONDO:0011436, OMIM 604320.
Inborn genetic diseases. Identifiers: MedGen C0950123, MeSH D030342.

Allele frequency attached by ClinVar (database versions not stated): gnomAD exomes below 0.00001 and 0.00001; ExAC 0.00001; gnomAD 0.00001; TOPMed 0.00004; ESP Exome Variant Server 0.00008.
gnomAD v4.1: 8 of 1,614,004 alleles (0.0005%); highest among the groups gnomAD compares: African/African-American, 0.004%; no homozygotes.

Submissions (3):

Ambry Genetics
Classification: Uncertain significance for Inborn genetic diseases. Last evaluated: 2024-11-07. Review status: criteria provided, single submitter. Criteria: Ambry Variant Classification Scheme 2023. Collection method: clinical testing. Allele origin: germline.

Labcorp Genetics (formerly Invitae), Labcorp
Classification: Uncertain significance for Autosomal recessive distal spinal muscular atrophy 1; Charcot-Marie-Tooth disease axonal type 2S. Last evaluated: 2021-08-24. Review status: criteria provided, single submitter. Criteria: Invitae Variant Classification Sherloc (09022015). Collection method: clinical testing. Allele origin: germline.
Comment: This sequence change replaces alanine with threonine at codon 336 of the IGHMBP2 protein (p.Ala336Thr). The alanine residue is weakly conserved and there is a small physicochemical difference between alanine and threonine. This variant is present in population databases (rs145076368, ExAC 0.01%). This variant has not been reported in the literature in individuals affected with IGHMBP2-related conditions. Advanced modeling of protein sequence and biophysical properties (such as structural, functional, and spatial information, amino acid conservation, physicochemical variation, residue mobility, and thermodynamic stability) performed at Invitae indicates that this missense variant is not expected to disrupt IGHMBP2 protein function. In summary, the available evidence is currently insufficient to determine the role of this variant in disease. Therefore, it has been classified as a Variant of Uncertain Significance.

Revvity Omics, Revvity
Classification: Uncertain significance. Last evaluated: 2019-10-24. Review status: criteria provided, single submitter. Criteria: ACMG Guidelines, 2015. Collection method: clinical testing. Allele origin: germline.

NM_002180.3(IGHMBP2):c.1006G>A (p.Ala336Thr)

Gene: IGHMBP2 (immunoglobulin mu DNA binding protein 2; plus strand). Cytogenetic location: 11q13.3.
Variant type: single nucleotide variant.
Coding change: c.1006G>A on transcript NM_002180.3 (MANE Select); coding-DNA position 1006, G replaced by A.
Protein change: p.Ala336Thr; replaces alanine 336 with threonine.
Molecular consequence: missense variant.
Genome position (GRCh38, 1-based): chr11:68,917,829, G>A. VCF-style: chr11-68917829-G-A. GRCh37 (hg19) VCF-style: chr11-68685297-G-A.
Other names: c.1006G>A (NM_002180.2); short protein forms A336T.
Identifiers: ClinVar variation 1052581 (VCV001052581.9), dbSNP rs145076368, ClinGen allele CA6153472.